The following is an entry in ClinVar:

NM_002979.5(SCP2):c.565C>A (p.His189Asn)

Gene: SCP2 (sterol carrier protein 2; plus strand). Cytogenetic location: 1p32.3.
Variant type: single nucleotide variant.
Coding change: c.565C>A on transcript NM_002979.5 (MANE Select); coding-DNA position 565, C replaced by A.
Protein change: p.His189Asn; replaces histidine 189 with asparagine.
Molecular consequence: missense variant.
Genome position (GRCh38, 1-based): chr1:52,974,810, C>A. VCF-style: chr1-52974810-C-A. GRCh37 (hg19) VCF-style: chr1-53440482-C-A.
Other names: c.433C>A, p.His145Asn (NM_001007098.3, NM_001193600.2); c.493C>A, p.His165Asn (NM_001193599.2); c.322C>A, p.His108Asn (NM_001193617.2); c.565C>A, p.His189Asn (NM_001330587.2); short protein forms H108N, H165N, H189N, H145N.
Identifiers: ClinVar variation 2010190 (VCV002010190.4), dbSNP rs2524652814, ClinGen allele CA340380210.
Genomic context (GRCh38, chr1:52,974,810, plus strand): 5'-ATGTTTGCTTTCTTTACAGGAACAAAAATTGAACACTTTGCAAAAATTGGATGGAAAAAT[C>A]ATAAACATTCAGTTAATAACCCGTAAGTATTTCAGAGACATGAAATAATGAAAATCTGGG-3'
Protein context (NP_002970.2, residues 179-199): EHFAKIGWKN[His189Asn]KHSVNNPYSQ

ClinVar aggregate classification (germline): Uncertain significance (1 of 4 stars; one submission).

Allele frequency attached by ClinVar (database versions not stated): gnomAD exomes below 0.00001.
gnomAD v4.1: 1 of 1,529,566 alleles (0.000065%); highest among the groups gnomAD compares: Non-Finnish European, 0.000091%; no homozygotes.

Submission:

Labcorp Genetics (formerly Invitae), Labcorp
Classification: Uncertain significance. Last evaluated: 2023-10-13. Review status: criteria provided, single submitter. Criteria: Invitae Variant Classification Sherloc (09022015). Collection method: clinical testing. Allele origin: germline.
Comment: This sequence change replaces histidine, which is basic and polar, with asparagine, which is neutral and polar, at codon 189 of the SCP2 protein (p.His189Asn). This variant is not present in population databases (gnomAD no frequency). This variant has not been reported in the literature in individuals affected with SCP2-related conditions. ClinVar contains an entry for this variant (Variation ID: 2010190). An algorithm developed to predict the effect of missense changes on protein structure and function (PolyPhen-2) suggests that this variant is likely to be disruptive. In summary, the available evidence is currently insufficient to determine the role of this variant in disease. Therefore, it has been classified as a Variant of Uncertain Significance.